The following is an entry in ClinVar:

NM_018060.4(IARS2):c.23G>T (p.Arg8Leu)

Genes: IARS2 (isoleucyl-tRNA synthetase 2, mitochondrial; plus strand), LOC129932529 (ATAC-STARR-seq lymphoblastoid silent region 1823; plus strand). Cytogenetic location: 1q41.
Variant type: single nucleotide variant.
Coding change: c.23G>T on transcript NM_018060.4 (MANE Select); coding-DNA position 23, G replaced by T.
Protein change: p.Arg8Leu; replaces arginine 8 with leucine.
Molecular consequence: missense variant.
Genome position (GRCh38, 1-based): chr1:220,094,239, G>T. VCF-style: chr1-220094239-G-T. GRCh37 (hg19) VCF-style: chr1-220267581-G-T.
Other names: short protein forms R8L.
Identifiers: ClinVar variation 380570 (VCV000380570.15), dbSNP rs149324758, ClinGen allele CA1401020.

ClinVar aggregate classification (germline): Benign. Review status: criteria provided, multiple submitters, no conflicts (2 of 4 stars). 4 submissions from 4 submitters: Benign (3). 1 of the submissions does not count toward it. Last evaluated 2026-02-04.

Allele frequency attached by ClinVar (database versions not stated): ESP Exome Variant Server 0.01479; gnomAD 0.01481 and 0.01764; TOPMed 0.01509; 1000 Genomes Project 30x 0.02670; 1000 Genomes Project 0.02895; ExAC 0.03515.
gnomAD v4.1: 36,892 of 1,593,820 alleles (2.3%); highest among the groups gnomAD compares: South Asian, 9%; 735 homozygotes.

Submissions (4):

Labcorp Genetics (formerly Invitae), Labcorp
Classification: Benign. Last evaluated: 2026-02-04. Review status: criteria provided, single submitter. Criteria: Invitae Variant Classification Sherloc (09022015). Collection method: clinical testing. Allele origin: germline.

GeneDx
Classification: Benign. Last evaluated: 2016-01-27. Review status: criteria provided, single submitter. Criteria: GeneDx Variant Classification (06012015). Collection method: clinical testing. Allele origin: germline. Affected: yes.
Comment: This variant is considered likely benign or benign based on one or more of the following criteria: it is a conservative change, it occurs at a poorly conserved position in the protein, it is predicted to be benign by multiple in silico algorithms, and/or has population frequency not consistent with disease.

Breakthrough Genomics
Classification: Benign. Review status: criteria provided, single submitter. Criteria: ACMG Guidelines, 2015. Collection method: not provided. Allele origin: germline. Inheritance: Autosomal recessive inheritance. Affected: yes.

Mayo Clinic Laboratories, Mayo Clinic
Classification: Likely benign. Last evaluated: 2016-02-23. Review status: no assertion criteria provided. Collection method: clinical testing. Allele origin: unknown. Not counted in ClinVar's aggregate classification.